The following is an entry in ClinVar:

NM_033360.4(KRAS):c.*110G>T

Gene: KRAS (KRAS proto-oncogene, GTPase; minus strand). Cytogenetic location: 12p12.1.
Variant type: single nucleotide variant.
Coding change: c.*110G>T on transcript NM_033360.4; 110 bases downstream of the stop codon, G replaced by T.
Molecular consequence: 3 prime UTR variant. On other transcripts: missense variant (2).
Genome position (GRCh38, 1-based): chr12:25,209,806, C>A on the plus strand (G>T on the coding strand, the complement: KRAS is on the minus strand). VCF-style: chr12-25209806-C-A. GRCh37 (hg19) VCF-style: chr12-25362740-C-A.
Other names: c.*110G>T (LRG_344t2, NM_001369786.1); c.556G>T, p.Val186Leu (LRG_344t1, NM_001369787.1, NM_004985.5); short protein forms V186L.
Identifiers: ClinVar variation 561725 (VCV000561725.1), dbSNP rs1432921036, ClinGen allele CA384148300.

ClinVar aggregate classification (germline): Uncertain significance (1 of 4 stars; one submission).

gnomAD v4.1: 1 of 1,607,834 alleles (0.000062%); no homozygotes.

Submission:

GeneDx
Classification: Uncertain significance. Last evaluated: 2018-01-30. Review status: criteria provided, single submitter. Criteria: GeneDx Variant Classification (06012015). Collection method: clinical testing. Allele origin: germline. Affected: yes.
Comment: A variant of uncertain significance has been identified in the KRAS gene. The V186L variant has not been published as pathogenic or been reported as benign to our knowledge. The V186L variant is not observed in large population cohorts (Lek et al., 2016). The V186L variant is a conservative amino acid substitution, which is not likely to impact secondary protein structure as these residues share similar properties. Additionally, in-silico analyses, including protein predictors and evolutionary conservation, support that this variant does not alter protein structure/function. Nevertheless, although no nearby missense variants have been reported in the Human Gene Mutation Database, the KRAS gene has a low rate of benign missense variation, and missense variants are a common mechanism of disease for this gene (Stenson et al., 2014).